The following is an entry in ClinVar:

ClinVar aggregate classification (germline): Benign (1 of 4 stars; one submission).

Allele frequency attached by ClinVar (database versions not stated): 1000 Genomes Project 30x 0.31808; 1000 Genomes Project 0.31949; TOPMed 0.32517; gnomAD 0.32818 and 0.33398.
gnomAD v4.1: 50,674 of 152,094 alleles (33%); highest among the groups gnomAD compares: Admixed American, 42%; 9,097 homozygotes.

Submission:

GeneDx
Classification: Benign. Last evaluated: 2018-06-16. Review status: criteria provided, single submitter. Criteria: GeneDx Variant Classification (06012015). Collection method: clinical testing. Allele origin: germline. Affected: yes.
Comment: This variant is considered likely benign or benign based on one or more of the following criteria: it is a conservative change, it occurs at a poorly conserved position in the protein, it is predicted to be benign by multiple in silico algorithms, and/or has population frequency not consistent with disease.

NM_018451.5(CPAP):c.569-168G>A

Gene: CPAP (centrosome assembly and centriole elongation protein; minus strand). Cytogenetic location: 13q12.13.
Variant type: single nucleotide variant.
Coding change: c.569-168G>A on transcript NM_018451.5 (MANE Select); 168 bases into the intron before coding-DNA position 569, G replaced by A.
Molecular consequence: intron variant.
Genome position (GRCh38, 1-based): chr13:24,910,254, C>T on the plus strand (G>A on the coding strand, the complement: CPAP is on the minus strand). VCF-style: chr13-24910254-C-T. GRCh37 (hg19) VCF-style: chr13-25484392-C-T.
Identifiers: ClinVar variation 680180 (VCV000680180.1), dbSNP rs3848001, ClinGen allele CA13841384.